The following is an entry in ClinVar:

NM_000059.4(BRCA2):c.6472T>C (p.Phe2158Leu)

Gene: BRCA2 (BRCA2 DNA repair associated; plus strand). Cytogenetic location: 13q13.1.
Variant type: single nucleotide variant.
Coding change: c.6472T>C on transcript NM_000059.4 (MANE Select); coding-DNA position 6472, T replaced by C.
Protein change: p.Phe2158Leu; replaces phenylalanine 2158 with leucine.
Molecular consequence: missense variant.
Genome position (GRCh38, 1-based): chr13:32,340,827, T>C. VCF-style: chr13-32340827-T-C. GRCh37 (hg19) VCF-style: chr13-32914964-T-C.
Other names: short protein forms F2158L.
Identifiers: ClinVar variation 628773 (VCV000628773.14), dbSNP rs1566234702, ClinGen allele CA387789402.

ClinVar aggregate classification (germline): Conflicting classifications of pathogenicity. Review status: criteria provided, conflicting classifications (1 of 4 stars). 3 submissions from 3 submitters: Uncertain significance (2); Likely benign (1). Last evaluated 2023-12-05.

Conditions:
Hereditary cancer-predisposing syndrome. Also called: Neoplastic Syndromes, Hereditary; Tumor predisposition; Hereditary neoplastic syndrome; Hereditary Cancer Syndrome. Identifiers: Orphanet 140162, MedGen C0027672, MeSH D009386, MONDO:0015356.
Hereditary breast ovarian cancer syndrome. Also called: Hereditary breast and ovarian cancer syndrome; Hereditary breast and ovarian cancer; Hereditary breast and ovarian cancer syndrome (HBOC); Breast and ovarian cancer; Hereditary breast and/or ovarian cancer syndrome; BRCA1- and BRCA2-Associated Hereditary Breast and Ovarian Cancer. Identifiers: Orphanet 145, MedGen C0677776, MeSH D061325, MONDO:0003582. Disease mechanism: loss of function.

Submissions (3):

Color Diagnostics, LLC DBA Color Health
Classification: Uncertain significance for Hereditary cancer-predisposing syndrome. Last evaluated: 2023-12-05. Review status: criteria provided, single submitter. Criteria: ACMG Guidelines, 2015. Collection method: clinical testing. Allele origin: germline.
Comment: This missense variant replaces phenylalanine with leucine at codon 2158 of the BRCA2 protein. Computational prediction suggests that this variant may not impact protein structure and function (internally defined REVEL score threshold <= 0.5, PMID: 27666373). To our knowledge, functional studies have not been reported for this variant. This variant has not been reported in individuals affected with BRCA2-related disorders in the literature. This variant has not been identified in the general population by the Genome Aggregation Database (gnomAD). The available evidence is insufficient to determine the role of this variant in disease conclusively. Therefore, this variant is classified as a Variant of Uncertain Significance.

University of Washington Department of Laboratory Medicine, University of Washington
Classification: Likely benign for Hereditary cancer-predisposing syndrome. Last evaluated: 2023-03-23. Review status: criteria provided, single submitter. Criteria: Dines et al. (Genet Med. 2020). Collection method: curation. Allele origin: germline.
Comment: Missense variant in a coldspot region where missense variants are very unlikely to be pathogenic (PMID:31911673).

BRCA2 exon 11 coldspot. Reclassification based on statistical prior probability.

Labcorp Genetics (formerly Invitae), Labcorp
Classification: Uncertain significance for Hereditary breast ovarian cancer syndrome. Last evaluated: 2021-07-27. Review status: criteria provided, single submitter. Criteria: Invitae Variant Classification Sherloc (09022015). Collection method: clinical testing. Allele origin: germline.
Comment: ClinVar contains an entry for this variant (Variation ID: 628773). In summary, the available evidence is currently insufficient to determine the role of this variant in disease. Therefore, it has been classified as a Variant of Uncertain Significance. Advanced modeling of protein sequence and biophysical properties (such as structural, functional, and spatial information, amino acid conservation, physicochemical variation, residue mobility, and thermodynamic stability) performed at Invitae indicates that this missense variant is not expected to disrupt BRCA2 protein function. This variant has not been reported in the literature in individuals affected with BRCA2-related conditions. This variant is not present in population databases (ExAC no frequency). This sequence change replaces phenylalanine with leucine at codon 2158 of the BRCA2 protein (p.Phe2158Leu). The phenylalanine residue is weakly conserved and there is a small physicochemical difference between phenylalanine and leucine.